The following is an entry in ClinVar:

ClinVar aggregate classification (germline): Likely pathogenic (1 of 4 stars; one submission).

Conditions:
Aortic valve disease 1 (AOVD1). Identifiers: MedGen C3887892, MONDO:0024523, OMIM 109730.
Adams-Oliver syndrome 5 (AOS5). Identifiers: Orphanet 974, MedGen C4014970, MONDO:0014459, OMIM 616028.

Submission:

New York Genome Center
Classification: Likely pathogenic for Adams-Oliver syndrome 5; Aortic valve disease 1. Last evaluated: 2024-05-08. Review status: criteria provided, single submitter. Criteria: NYGC Assertion Criteria 2020. Collection method: clinical testing. Allele origin: de novo. Affected: yes. Observed: 1 variant allele, 1 heterozygote.
Comment: The c.1595G>A variant in NOTCH1 has not previously been reported in the literature or public variant repositories (ClinVar and LOVD), and is absent from population databases (gnomAD v4.1, TOPMed Freeze 10, All of Us), suggesting it is not a common benign variant in the populations represented in those databases. The c.1595G>A variant in NOTCH1 is located in exon 10 of this 34-exon gene, and is predicted to replace an evolutionarily conserved cysteine amino acid with tyrosine at position 532 (p.(Cys532Tyr)) located in one of the EGF repeats of the encoded protein. Cys532 is predicted to form a disulfide bond with Cys543 [UniProt ID: P46531]. There are multiple predicted disulfide bonds within the first 1500 amino acids of encoded protein and variants affecting other cysteine residues involved in disulfide bonds have been reported [PMID: 32596782]. Disruption of disulfide bonds might affect the structural integrity of the protein and in silico predictions are also in favor of damaging effect for the p.(Cys532Tyr) variant [CADD v1.6 = 24.5, REVEL = 0.965]; however, there are no functional studies to support or refute these predictions. Based on available evidence this apparently de novo heterozygous c.1595G>A p.(Cys532Tyr) variant identified in NOTCH1 is classified as Likely Pathogenic.

NM_017617.5(NOTCH1):c.1595G>A (p.Cys532Tyr)

Gene: NOTCH1 (notch receptor 1; minus strand). Cytogenetic location: 9q34.3.
Variant type: single nucleotide variant.
Coding change: c.1595G>A on transcript NM_017617.5 (MANE Select); coding-DNA position 1595, G replaced by A.
Protein change: p.Cys532Tyr; replaces cysteine 532 with tyrosine.
Molecular consequence: missense variant.
Genome position (GRCh38, 1-based): chr9:136,516,055, C>T on the plus strand (G>A on the coding strand, the complement: NOTCH1 is on the minus strand). VCF-style: chr9-136516055-C-T. GRCh37 (hg19) VCF-style: chr9-139410507-C-T.
Other names: short protein forms C532Y.
Identifiers: ClinVar variation 4888374 (VCV004888374.1).